The following is an entry in ClinVar:

ClinVar aggregate classification (germline): Benign/Likely benign. Review status: criteria provided, multiple submitters, no conflicts (2 of 4 stars). 6 submissions from 6 submitters: Benign (1); Likely benign (5). Last evaluated 2026-01-26.

Conditions:
Bartter disease type 1. Also called: HYPERPROSTAGLANDIN E SYNDROME 1; HYPOKALEMIC ALKALOSIS WITH HYPERCALCIURIA 1, ANTENATAL; Bartter syndrome, type 1, antenatal; Bartter Syndrome type 1. Identifiers: Orphanet 112, Orphanet 620217, MedGen C1866495, MONDO:0100344, OMIM 601678, MONDO:0011127.

Allele frequency attached by ClinVar (database versions not stated): ESP Exome Variant Server 0.00051; gnomAD 0.00100 and 0.00101; 1000 Genomes Project 0.00140; 1000 Genomes Project 30x 0.00172; TOPMed 0.00186; ExAC 0.00202; gnomAD exomes 0.00260.
gnomAD v4.1: 1,052 of 1,609,382 alleles (0.065%); highest among the groups gnomAD compares: Admixed American, 1.3%; 3 homozygotes.

Submissions (6):

Labcorp Genetics (formerly Invitae), Labcorp
Classification: Benign. Last evaluated: 2026-01-26. Review status: criteria provided, single submitter. Criteria: Invitae Variant Classification Sherloc (09022015). Collection method: clinical testing. Allele origin: germline.

Mayo Clinic Laboratories, Mayo Clinic
Classification: Likely benign. Last evaluated: 2025-03-25. Review status: criteria provided, single submitter. Criteria: ACMG Guidelines, 2015. Collection method: clinical testing. Allele origin: germline. Observed: 3 variant alleles.
Comment: BS1, BS2, PP3

Blueprint Genetics
Classification: Likely benign. Last evaluated: 2024-10-08. Review status: criteria provided, single submitter. Criteria: ACMG Guidelines, 2015. Collection method: clinical testing. Allele origin: germline.

GeneDx
Classification: Likely benign. Last evaluated: 2020-01-22. Review status: criteria provided, single submitter. Criteria: GeneDx Variant Classification Process June 2021. Collection method: clinical testing. Allele origin: germline. Affected: yes.

Illumina Laboratory Services, Illumina
Classification: Likely benign for Bartter disease type 1. Last evaluated: 2017-04-27. Review status: criteria provided, single submitter. Criteria: ICSL Variant Classification Criteria 13 December 2019. Collection method: clinical testing. Allele origin: germline.
Comment: This variant was observed as part of a predisposition screen in an ostensibly healthy population. A literature search was performed for the gene, cDNA change, and amino acid change (where applicable). Publications were found based on this search. The evidence from the literature, in combination with allele frequency data from public databases where available, was sufficient to determine this variant is unlikely to cause disease. Therefore, this variant is classified as likely benign.

Breakthrough Genomics
Classification: Likely benign. Review status: criteria provided, single submitter. Criteria: ACMG Guidelines, 2015. Collection method: not provided. Allele origin: germline. Inheritance: Autosomal recessive inheritance. Affected: yes.

Literature cited by the submitters: PubMed 23897314 (cited by Mayo Clinic Laboratories, Mayo Clinic and Illumina Laboratory Services, Illumina).

NM_000338.3(SLC12A1):c.695C>T (p.Ala232Val)

Gene: SLC12A1 (solute carrier family 12 member 1; plus strand). Cytogenetic location: 15q21.1.
Variant type: single nucleotide variant.
Coding change: c.695C>T on transcript NM_000338.3 (MANE Select); coding-DNA position 695, C replaced by T.
Protein change: p.Ala232Val; replaces alanine 232 with valine.
Molecular consequence: missense variant. On other transcripts: intron variant (1).
Genome position (GRCh38, 1-based): chr15:48,226,542, C>T. VCF-style: chr15-48226542-C-T. GRCh37 (hg19) VCF-style: chr15-48518739-C-T.
Other names: p.Ala232Val; c.629-537C>T (NM_001184832.2); short protein forms A232V.
Identifiers: ClinVar variation 784616 (VCV000784616.20), dbSNP rs188295259, ClinGen allele CA7546839.